The following is an entry in ClinVar:

NM_001174089.2(SLC4A11):c.799C>T (p.Gln267Ter)

Gene: SLC4A11 (solute carrier family 4 member 11; minus strand). Cytogenetic location: 20p13.
Variant type: single nucleotide variant.
Coding change: c.799C>T on transcript NM_001174089.2 (MANE Select); coding-DNA position 799, C replaced by T.
Protein change: p.Gln267Ter; replaces glutamine 267 with a stop codon.
Molecular consequence: nonsense. On other transcripts: non-coding transcript variant (3).
Genome position (GRCh38, 1-based): chr20:3,231,479, G>A on the plus strand (C>T on the coding strand, the complement: SLC4A11 is on the minus strand). VCF-style: chr20-3231479-G-A. GRCh37 (hg19) VCF-style: chr20-3212125-G-A.
Other names: c.928C>T, p.Gln310Ter (NM_001174090.2, NM_001400280.1); c.799C>T, p.Gln267Ter (NM_001363745.2); c.742C>T, p.Gln248Ter (NM_001400277.1, NM_001400278.1, NM_001400279.1); c.847C>T, p.Gln283Ter (NM_032034.4); short protein forms Q267*, Q310*, Q248*, Q283*.
Identifiers: ClinVar variation 1997620 (VCV001997620.4), dbSNP rs2514569208, ClinGen allele CA408091158.
Genomic context (GRCh38, chr20:3,231,479, plus strand): 5'-GTCTCTGATGCACCAAGGCCTCCTTGAATTCCTCCTCTGTGCGGGTCTCCAGGAGCTTCT[G>A]GCGGAAGGCGATATCCGAGAACATGGTGGCAAACGTGCGCGCCACCTCCATCGCAGTCTT-3'

ClinVar aggregate classification (germline): Pathogenic (1 of 4 stars; one submission).

Submission:

Labcorp Genetics (formerly Invitae), Labcorp
Classification: Pathogenic. Last evaluated: 2022-05-21. Review status: criteria provided, single submitter. Criteria: Invitae Variant Classification Sherloc (09022015). Collection method: clinical testing. Allele origin: germline.
Comment: This sequence change creates a premature translational stop signal (p.Gln283*) in the SLC4A11 gene. It is expected to result in an absent or disrupted protein product. Loss-of-function variants in SLC4A11 are known to be pathogenic (PMID: 17220209, 17679935). This variant is not present in population databases (gnomAD no frequency). This variant has not been reported in the literature in individuals affected with SLC4A11-related conditions. For these reasons, this variant has been classified as Pathogenic.

Literature cited by the submitters: PubMed 17220209; PubMed 17679935.